The following is an entry in ClinVar:

NM_183381.3(RNF13):c.292A>G (p.Arg98Gly)

Gene: RNF13 (ring finger protein 13; plus strand). Cytogenetic location: 3q25.1.
Variant type: single nucleotide variant.
Coding change: c.292A>G on transcript NM_183381.3 (MANE Select); coding-DNA position 292, A replaced by G.
Protein change: p.Arg98Gly; replaces arginine 98 with glycine.
Molecular consequence: missense variant. On other transcripts: 5 prime UTR variant (6), non-coding transcript variant (1).
Genome position (GRCh38, 1-based): chr3:149,872,125, A>G. VCF-style: chr3-149872125-A-G. GRCh37 (hg19) VCF-style: chr3-149589912-A-G.
Other names: c.292A>G, p.Arg98Gly (NM_001378285.1, NM_001378286.1, NM_007282.4); c.-76A>G (NM_001378287.1, NM_001378288.1, NM_001378289.1 and 2 more transcripts); c.-102A>G (NM_001378291.1); short protein forms R98G.
Identifiers: ClinVar variation 1449990 (VCV001449990.7), dbSNP rs772549838, ClinGen allele CA2662946.

ClinVar aggregate classification (germline): Uncertain significance. Review status: criteria provided, multiple submitters, no conflicts (2 of 4 stars). 2 submissions from 2 submitters: Uncertain significance (2). Last evaluated 2025-10-11.

Allele frequency attached by ClinVar (database versions not stated): gnomAD 0.00001; gnomAD exomes 0.00001 and 0.00005; TOPMed 0.00001; ExAC 0.00004.
gnomAD v4.1: 9 of 1,589,536 alleles (0.00057%); highest among the groups gnomAD compares: East Asian, 0.02%; no homozygotes.

Submissions (2):

Labcorp Genetics (formerly Invitae), Labcorp
Classification: Uncertain significance. Last evaluated: 2025-10-11. Review status: criteria provided, single submitter. Criteria: Invitae Variant Classification Sherloc (09022015). Collection method: clinical testing. Allele origin: germline.
Comment: This sequence change replaces arginine, which is basic and polar, with glycine, which is neutral and non-polar, at codon 98 of the RNF13 protein (p.Arg98Gly). This variant is present in population databases (rs772549838, gnomAD 0.06%). This variant has not been reported in the literature in individuals affected with RNF13-related conditions. ClinVar contains an entry for this variant (Variation ID: 1449990). Invitae Evidence Modeling of protein sequence and biophysical properties (such as structural, functional, and spatial information, amino acid conservation, physicochemical variation, residue mobility, and thermodynamic stability) has been performed for this missense variant. However, the output from this modeling did not meet the statistical confidence thresholds required to predict the impact of this variant on RNF13 protein function. In summary, the available evidence is currently insufficient to determine the role of this variant in disease. Therefore, it has been classified as a Variant of Uncertain Significance.

Ambry Genetics
Classification: Uncertain significance. Last evaluated: 2023-06-29. Review status: criteria provided, single submitter. Criteria: Ambry Variant Classification Scheme 2023. Collection method: clinical testing. Allele origin: germline.